The following is an entry in ClinVar:

ClinVar aggregate classification (germline): Likely benign (1 of 4 stars; one submission).

Allele frequency attached by ClinVar (database versions not stated): TOPMed 0.00002.
gnomAD v4.1: 25 of 1,613,452 alleles (0.0015%); highest among the groups gnomAD compares: African/African-American, 0.0027%; no homozygotes.

Submission:

GeneDx
Classification: Likely benign. Last evaluated: 2017-03-03. Review status: criteria provided, single submitter. Criteria: GeneDx Variant Classification (06012015). Collection method: clinical testing. Allele origin: germline. Affected: yes.
Comment: This variant is considered likely benign or benign based on one or more of the following criteria: it is a conservative change, it occurs at a poorly conserved position in the protein, it is predicted to be benign by multiple in silico algorithms, and/or has population frequency not consistent with disease.

NM_016148.5(SHANK1):c.1938-5G>A

Gene: SHANK1 (SH3 and multiple ankyrin repeat domains 1; minus strand). Cytogenetic location: 19q13.33.
Variant type: single nucleotide variant.
Coding change: c.1938-5G>A on transcript NM_016148.5 (MANE Select); 5 bases into the intron before coding-DNA position 1938, G replaced by A.
Molecular consequence: intron variant.
Genome position (GRCh38, 1-based): chr19:50,697,127, C>T on the plus strand (G>A on the coding strand, the complement: SHANK1 is on the minus strand). VCF-style: chr19-50697127-C-T. GRCh37 (hg19) VCF-style: chr19-51200384-C-T.
Identifiers: ClinVar variation 507799 (VCV000507799.1), dbSNP rs377428098, ClinGen allele CA9601722.
Genomic context (GRCh38, chr19:50,697,127, plus strand): 5'-CCATCCCCTCCCTGCCCCTCGCCTCTCACCTCCCTGGGCCAATCCCATCCATTAAGCTTC[C>T]GAAGCAAGTCAGCCAGCAGCCAGGGAGGGGAAAGGTGTCAGTGCACCCATCTCCTCACCC-3'